The following is an entry in ClinVar:

NM_014874.4(MFN2):c.1190G>C (p.Arg397Pro)

Gene: MFN2 (mitofusin 2; plus strand). Cytogenetic location: 1p36.22.
Variant type: single nucleotide variant.
Coding change: c.1190G>C on transcript NM_014874.4 (MANE Select); coding-DNA position 1190, G replaced by C.
Protein change: p.Arg397Pro; replaces arginine 397 with proline.
Molecular consequence: missense variant.
Genome position (GRCh38, 1-based): chr1:12,004,021, G>C. VCF-style: chr1-12004021-G-C. GRCh37 (hg19) VCF-style: chr1-12064078-G-C.
Other names: c.1190G>C, p.Arg397Pro (NM_001127660.2); short protein forms R397P.
Identifiers: ClinVar variation 1308425 (VCV001308425.4), dbSNP rs778219078, ClinGen allele CA338444862.

ClinVar aggregate classification (germline): Uncertain significance. Review status: criteria provided, multiple submitters, no conflicts (2 of 4 stars). 2 submissions from 2 submitters: Uncertain significance (2). Last evaluated 2024-08-05.

Submissions (2):

Dasa
Classification: Uncertain significance. Last evaluated: 2024-08-05. Review status: criteria provided, single submitter. Criteria: DASA Assertion Criteria. Collection method: clinical testing. Allele origin: germline.
Comment: NM_014874.4(MFN2):c.1190G>C (p.Arg397Pro) is a missense variant that results in the substitution of arginine with proline. This variant has been reported in individuals with MFN2-related disorders (PMID: 30210586). Segregation data support an association with disease in the reported family/families (PMID: 30210586). Also, this variant is absent from population databases. The currently available literature and clinical evidence are not sufficient to establish a definitive association between this variant and the reported condition. Therefore, this variant is classified as a variant of uncertain significance.

GeneDx
Classification: Uncertain significance. Last evaluated: 2020-01-27. Review status: criteria provided, single submitter. Criteria: GeneDx Variant Classification Process June 2021. Collection method: clinical testing. Allele origin: germline. Affected: yes.
Comment: Not observed in large population cohorts (Lek et al., 2016); In silico analysis, which includes protein predictors and evolutionary conservation, supports that this variant does not alter protein structure/function; This variant is associated with the following publications: (PMID: 30210586)

Literature cited by the submitters: PubMed 30210586 (cited by Dasa).